The following is an entry in ClinVar:

ClinVar aggregate classification (germline): Uncertain significance (1 of 4 stars; one submission).

Conditions:
Cardiovascular phenotype. Identifiers: MedGen CN230736.

gnomAD v4.1: 4 of 1,614,004 alleles (0.00025%); highest among the groups gnomAD compares: Admixed American, 0.0067%; no homozygotes.

Submission:

Ambry Genetics
Classification: Uncertain significance for Cardiovascular phenotype. Last evaluated: 2025-12-02. Review status: criteria provided, single submitter. Criteria: Ambry Variant Classification Scheme 2023. Collection method: clinical testing. Allele origin: germline.
Comment: The p.D769E variant (also known as c.2307C>A), located in coding exon 15 of the ABCA1 gene, results from a C to A substitution at nucleotide position 2307. The aspartic acid at codon 769 is replaced by glutamic acid, an amino acid with highly similar properties. This amino acid position is conserved. In addition, the in silico prediction for this alteration is inconclusive. Based on the available evidence, the clinical significance of this variant remains unclear.

NM_005502.4(ABCA1):c.2307C>A (p.Asp769Glu)

Gene: ABCA1 (ATP binding cassette subfamily A member 1; minus strand). Cytogenetic location: 9q31.1.
Variant type: single nucleotide variant.
Coding change: c.2307C>A on transcript NM_005502.4 (MANE Select); coding-DNA position 2307, C replaced by A.
Protein change: p.Asp769Glu; replaces aspartic acid 769 with glutamic acid.
Molecular consequence: missense variant.
Genome position (GRCh38, 1-based): chr9:104,826,978, G>T on the plus strand (C>A on the coding strand, the complement: ABCA1 is on the minus strand). VCF-style: chr9-104826978-G-T. GRCh37 (hg19) VCF-style: chr9-107589259-G-T.
Other names: short protein forms D769E.
Identifiers: ClinVar variation 4613290 (VCV004613290.1).
Genomic context (GRCh38, chr9:104,826,978, plus strand): 5'-AGCCACTGAAGAAAGGCCAGAGGTACTCACAGCGAAGATCTTGAGTGTGAAGCCCACGTA[G>T]TCCTGCCATGCCACACACAGGACGTAGGGCAGGTACAGCGTGAAGTAGATGATGCCCCCA-3'
Protein context (NP_005493.2, residues 759-779): LPYVLCVAWQ[Asp769Glu]YVGFTLKIFA